The following is an entry in ClinVar:

NM_001037132.4(NRCAM):c.106C>A (p.Pro36Thr)

Gene: NRCAM (neuronal cell adhesion molecule; minus strand). Cytogenetic location: 7q31.1.
Variant type: single nucleotide variant.
Coding change: c.106C>A on transcript NM_001037132.4 (MANE Select); coding-DNA position 106, C replaced by A.
Protein change: p.Pro36Thr; replaces proline 36 with threonine.
Molecular consequence: missense variant. On other transcripts: 5 prime UTR variant (4), non-coding transcript variant (5), intron variant (6).
Genome position (GRCh38, 1-based): chr7:108,239,959, G>T on the plus strand (C>A on the coding strand, the complement: NRCAM is on the minus strand). VCF-style: chr7-108239959-G-T. GRCh37 (hg19) VCF-style: chr7-107880403-G-T.
Other names: c.106C>A, p.Leu36Met (NM_001371136.1, NM_001371178.1, NM_001371182.1 and 11 more transcripts); c.-635C>A (NM_001371137.1); c.106C>A, p.Pro36Thr (NM_001371138.1, NM_001371139.1, NM_001371140.1 and 39 more transcripts); c.-175C>A (NM_001371142.1, NM_001371147.1); c.-454C>A (NM_001371179.1); c.-164-5271C>A (NM_001371164.1, NM_001371148.1, NM_001371170.1 and 1 more transcripts); c.-182-2190C>A (NM_001371125.1, NM_001371143.1); short protein forms L36M, P36T.
Identifiers: ClinVar variation 2657944 (VCV002657944.24), dbSNP rs1248170598, ClinGen allele CA368887785.
Genomic context (GRCh38, chr7:108,239,959, plus strand): 5'-TGATAAATGCTGGGAGGCTTTGACTCCTGGGCCTAACAGCTTTAAAACGTTAATACTTAC[G>T]ATCAAGAGGTACTTCCAGTGCACTAATCATCTGGCACAGGAAGAGAATCAGGGGCACTCT-3'
Protein context (NP_001032209.1, residues 26-46): MISALEVPLD[Pro36Thr]KLLEDLVQPP

ClinVar aggregate classification (germline): Uncertain significance (1 of 4 stars; one submission).

Submission:

CeGaT Center for Human Genetics Tuebingen
Classification: Uncertain significance. Last evaluated: 2023-10-01. Review status: criteria provided, single submitter. Criteria: CeGaT Center For Human Genetics Tuebingen Variant Classification Criteria Version 2. Collection method: clinical testing. Allele origin: germline. Affected: yes. Observed: 1 variant allele.
Comment: NRCAM: PM2, BP4